The following is an entry in ClinVar:

NM_001128.6(AP1G1):c.359G>T (p.Gly120Val)

Gene: AP1G1 (adaptor related protein complex 1 subunit gamma 1; minus strand). Cytogenetic location: 16q22.2.
Variant type: single nucleotide variant.
Coding change: c.359G>T on transcript NM_001128.6 (MANE Select); coding-DNA position 359, G replaced by T.
Protein change: p.Gly120Val; replaces glycine 120 with valine.
Molecular consequence: missense variant.
Genome position (GRCh38, 1-based): chr16:71,773,330, C>A on the plus strand (G>T on the coding strand, the complement: AP1G1 is on the minus strand). VCF-style: chr16-71773330-C-A. GRCh37 (hg19) VCF-style: chr16-71807233-C-A.
Other names: c.359G>T, p.Gly120Val (NM_001030007.2); short protein forms G120V.
Identifiers: ClinVar variation 3252547 (VCV003252547.2), dbSNP rs143490004.

ClinVar aggregate classification (germline): Uncertain significance. Review status: criteria provided, multiple submitters, no conflicts (2 of 4 stars). 2 submissions from 2 submitters: Uncertain significance (2). Last evaluated 2025-08-14.

Submissions (2):

Labcorp Genetics (formerly Invitae), Labcorp
Classification: Uncertain significance. Last evaluated: 2025-08-14. Review status: criteria provided, single submitter. Criteria: Invitae Variant Classification Sherloc (09022015). Collection method: clinical testing. Allele origin: germline.
Comment: This sequence change replaces glycine, which is neutral and non-polar, with valine, which is neutral and non-polar, at codon 120 of the AP1G1 protein (p.Gly120Val). This variant is not present in population databases (gnomAD no frequency). This variant has not been reported in the literature in individuals affected with AP1G1-related conditions. ClinVar contains an entry for this variant (Variation ID: 3252547). Invitae Evidence Modeling of protein sequence and biophysical properties (such as structural, functional, and spatial information, amino acid conservation, physicochemical variation, residue mobility, and thermodynamic stability) indicates that this missense variant is not expected to disrupt AP1G1 protein function with a negative predictive value of 80%. In summary, the available evidence is currently insufficient to determine the role of this variant in disease. Therefore, it has been classified as a Variant of Uncertain Significance.

GeneDx
Classification: Uncertain significance. Last evaluated: 2023-06-07. Review status: criteria provided, single submitter. Criteria: GeneDx Variant Classification Process June 2021. Collection method: clinical testing. Allele origin: germline. Affected: yes.
Comment: Not observed at significant frequency in large population cohorts (gnomAD); In silico analysis supports that this missense variant has a deleterious effect on protein structure/function; In silico analysis suggests this variant may impact gene splicing. In the absence of RNA/functional studies, the actual effect of this sequence change is unknown.; Has not been previously published as pathogenic or benign to our knowledge; Variants in candidate genes are classified as variants of uncertain significance in accordance with ACMG guidelines (Richards et al., 2015)